The following is an entry in ClinVar:

NM_170662.5(CBLB):c.1710A>G (p.Arg570=)

Gene: CBLB (Cbl proto-oncogene B; minus strand). Cytogenetic location: 3q13.11.
Variant type: single nucleotide variant.
Coding change: c.1710A>G on transcript NM_170662.5 (MANE Select); coding-DNA position 1710, A replaced by G.
Protein change: p.Arg570=; no amino-acid change (arginine 570 retained).
Molecular consequence: synonymous variant. On other transcripts: non-coding transcript variant (7).
Genome position (GRCh38, 1-based): chr3:105,702,343, T>C on the plus strand (A>G on the coding strand, the complement: CBLB is on the minus strand). VCF-style: chr3-105702343-T-C. GRCh37 (hg19) VCF-style: chr3-105421187-T-C.
Other names: c.1794A>G, p.Arg598= (NM_001321786.1, NM_001321789.1); c.1710A>G, p.Arg570= (NM_001321788.2, NM_001321791.2, NM_001321793.2 and 4 more transcripts); c.1776A>G, p.Arg592= (NM_001321790.2); c.1563A>G, p.Arg521= (NM_001321796.2, NM_001321799.2); c.930A>G, p.Arg310= (NM_001321806.2, NM_001321807.2, NM_001321808.2 and 3 more transcripts); c.522A>G, p.Arg174= (NM_001321820.2); c.381A>G, p.Arg127= (NM_001321822.2).
Identifiers: ClinVar variation 3043847 (VCV003043847.2), dbSNP rs144639540, ClinGen allele CA2524680.

ClinVar aggregate classification (germline): Likely benign (0 of 4 stars; one submission).

Conditions:
CBLB-related disorder. Also called: CBLB-related condition.

Allele frequency attached by ClinVar (database versions not stated): gnomAD exomes 0.00012; ExAC 0.00040; gnomAD 0.00121; TOPMed 0.00130; 1000 Genomes Project 0.00140; ESP Exome Variant Server 0.00154; 1000 Genomes Project 30x 0.00172.
gnomAD v4.1: 375 of 1,613,718 alleles (0.023%); highest among the groups gnomAD compares: African/African-American, 0.44%; 4 homozygotes.

Submission:

PreventionGenetics, part of Exact Sciences
Classification: Likely benign for CBLB-related condition. Last evaluated: 2022-04-18. Review status: no assertion criteria provided. Collection method: clinical testing. Allele origin: germline.
Comment: This variant is classified as likely benign based on ACMG/AMP sequence variant interpretation guidelines (Richards et al. 2015 PMID: 25741868, with internal and published modifications).